The following is an entry in ClinVar:

ClinVar aggregate classification (germline): Uncertain significance (1 of 4 stars; one submission).

Submission:

Labcorp Genetics (formerly Invitae), Labcorp
Classification: Uncertain significance. Last evaluated: 2024-04-07. Review status: criteria provided, single submitter. Criteria: Invitae Variant Classification Sherloc (09022015). Collection method: clinical testing. Allele origin: germline.
Comment: This sequence change replaces isoleucine, which is neutral and non-polar, with threonine, which is neutral and polar, at codon 12 of the CYP7A1 protein (p.Ile12Thr). This variant is not present in population databases (gnomAD no frequency). This variant has not been reported in the literature in individuals affected with CYP7A1-related conditions. Algorithms developed to predict the effect of missense changes on protein structure and function output the following: SIFT: "Not Available"; PolyPhen-2: "Benign"; Align-GVGD: "Not Available". The threonine amino acid residue is found in multiple mammalian species, which suggests that this missense change does not adversely affect protein function. In summary, the available evidence is currently insufficient to determine the role of this variant in disease. Therefore, it has been classified as a Variant of Uncertain Significance.

NM_000780.4(CYP7A1):c.35T>C (p.Ile12Thr)

Genes: CYP7A1 (cytochrome P450 family 7 subfamily A member 1; minus strand), LOC110596866 (CYP7A1 5' regulatory region; plus strand). Cytogenetic location: 8q12.1.
Variant type: single nucleotide variant.
Coding change: c.35T>C on transcript NM_000780.4 (MANE Select); coding-DNA position 35, T replaced by C.
Protein change: p.Ile12Thr; replaces isoleucine 12 with threonine.
Molecular consequence: missense variant.
Genome position (GRCh38, 1-based): chr8:58,500,064, A>G on the plus strand (T>C on the coding strand, the complement: CYP7A1 is on the minus strand). VCF-style: chr8-58500064-A-G. GRCh37 (hg19) VCF-style: chr8-59412623-A-G.
Other names: short protein forms I12T.
Identifiers: ClinVar variation 3649099 (VCV003649099.2).